The following is an entry in ClinVar:

NM_005476.7(GNE):c.976G>A (p.Glu326Lys)

Gene: GNE (glucosamine (UDP-N-acetyl)-2-epimerase/N-acetylmannosamine kinase; minus strand). Cytogenetic location: 9p13.3.
Variant type: single nucleotide variant.
Coding change: c.976G>A on transcript NM_005476.7 (MANE Select); coding-DNA position 976, G replaced by A.
Protein change: p.Glu326Lys; replaces glutamic acid 326 with lysine.
Molecular consequence: missense variant.
Genome position (GRCh38, 1-based): chr9:36,233,926, C>T on the plus strand (G>A on the coding strand, the complement: GNE is on the minus strand). VCF-style: chr9-36233926-C-T. GRCh37 (hg19) VCF-style: chr9-36233923-C-T.
Other names: c.1069G>A, p.Glu357Lys (NM_001128227.3); c.976G>A, p.Glu326Lys (NM_001190383.3); c.646G>A, p.Glu216Lys (NM_001190384.3); c.799G>A, p.Glu267Lys (NM_001190388.2, NM_001374798.1); c.823G>A, p.Glu275Lys (NM_001374797.1); short protein forms E357K, E275K, E216K, E267K, E326K.
Identifiers: ClinVar variation 1520024 (VCV001520024.8), dbSNP rs2133067896, ClinGen allele CA373430460.

ClinVar aggregate classification (germline): Uncertain significance (1 of 4 stars; one submission).

Conditions:
GNE myopathy (NM). Also called: NONAKA DISTAL MYOPATHY; INCLUSION BODY MYOPATHY, HEREDITARY, AUTOSOMAL RECESSIVE; INCLUSION BODY MYOPATHY 2, AUTOSOMAL RECESSIVE; MYOPATHY, DISTAL, WITH OR WITHOUT RIMMED VACUOLES; IBM 2; Inclusion body myopathy autosomal recessive. Identifiers: Orphanet 602, MedGen C1853926, MONDO:0011603, OMIM 605820.
Sialuria. Also called: SIALURIA, FRENCH TYPE; Sialic Acid Storage Disease. Identifiers: Orphanet 3166, MedGen C0342853, MONDO:0010028, OMIM 269921.

Submission:

Labcorp Genetics (formerly Invitae), Labcorp
Classification: Uncertain significance for Sialuria; GNE myopathy. Last evaluated: 2022-10-05. Review status: criteria provided, single submitter. Criteria: Invitae Variant Classification Sherloc (09022015). Collection method: clinical testing. Allele origin: germline.
Comment: This sequence change replaces glutamic acid, which is acidic and polar, with lysine, which is basic and polar, at codon 357 of the GNE protein (p.Glu357Lys). This variant is not present in population databases (gnomAD no frequency). This variant has not been reported in the literature in individuals affected with GNE-related conditions. ClinVar contains an entry for this variant (Variation ID: 1520024). Algorithms developed to predict the effect of missense changes on protein structure and function (SIFT, PolyPhen-2, Align-GVGD) all suggest that this variant is likely to be disruptive. In summary, the available evidence is currently insufficient to determine the role of this variant in disease. Therefore, it has been classified as a Variant of Uncertain Significance.